The following is an entry in ClinVar:

NM_003730.6(RNASET2):c.44G>A (p.Cys15Tyr)

Gene: RNASET2 (ribonuclease T2; minus strand). Cytogenetic location: 6q27.
Variant type: single nucleotide variant.
Coding change: c.44G>A on transcript NM_003730.6 (MANE Select); coding-DNA position 44, G replaced by A.
Protein change: p.Cys15Tyr; replaces cysteine 15 with tyrosine.
Molecular consequence: missense variant.
Genome position (GRCh38, 1-based): chr6:166,956,139, C>T on the plus strand (G>A on the coding strand, the complement: RNASET2 is on the minus strand). VCF-style: chr6-166956139-C-T. GRCh37 (hg19) VCF-style: chr6-167369627-C-T.
Other names: short protein forms C15Y.
Identifiers: ClinVar variation 1403110 (VCV001403110.6), dbSNP rs1466640652, ClinGen allele CA366408460.

ClinVar aggregate classification (germline): Uncertain significance (1 of 4 stars; one submission).

Submission:

Labcorp Genetics (formerly Invitae), Labcorp
Classification: Uncertain significance. Last evaluated: 2021-08-28. Review status: criteria provided, single submitter. Criteria: Invitae Variant Classification Sherloc (09022015). Collection method: clinical testing. Allele origin: germline.
Comment: This variant is not present in population databases (ExAC no frequency). This variant has not been reported in the literature in individuals affected with RNASET2-related conditions. Algorithms developed to predict the effect of missense changes on protein structure and function output the following: SIFT: "Tolerated"; PolyPhen-2: "Not Available"; Align-GVGD: "Class C0". The tyrosine amino acid residue is found in multiple mammalian species, which suggests that this missense change does not adversely affect protein function. In summary, the available evidence is currently insufficient to determine the role of this variant in disease. Therefore, it has been classified as a Variant of Uncertain Significance. This sequence change replaces cysteine with tyrosine at codon 15 of the RNASET2 protein (p.Cys15Tyr). The cysteine residue is weakly conserved and there is a large physicochemical difference between cysteine and tyrosine.